The following is an entry in ClinVar:

ClinVar aggregate classification (germline): Likely benign. Review status: criteria provided, multiple submitters, no conflicts (2 of 4 stars). 2 submissions from 2 submitters: Likely benign (2). Last evaluated 2023-10-09.

Conditions:
Mitochondrial trifunctional protein deficiency. Identifiers: Orphanet 746, MedGen C1969443, MONDO:0012172.
Long chain 3-hydroxyacyl-CoA dehydrogenase deficiency. Also called: Deficiency of long-chain 3-hydroxyacyl-coenzyme A dehydrogenase; LCHAD Deficiency. Identifiers: Orphanet 5, MedGen C3711645, MONDO:0012173, OMIM 609016.

Allele frequency attached by ClinVar (database versions not stated): gnomAD 0.00001; TOPMed 0.00001.

Submissions (2):

Labcorp Genetics (formerly Invitae), Labcorp
Classification: Likely benign for Mitochondrial trifunctional protein deficiency; Long chain 3-hydroxyacyl-CoA dehydrogenase deficiency. Last evaluated: 2023-10-09. Review status: criteria provided, single submitter. Criteria: Invitae Variant Classification Sherloc (09022015). Collection method: clinical testing. Allele origin: germline.

GeneDx
Classification: Likely benign. Last evaluated: 2016-10-03. Review status: criteria provided, single submitter. Criteria: GeneDx Variant Classification (06012015). Collection method: clinical testing. Allele origin: germline. Affected: yes.
Comment: This variant is considered likely benign or benign based on one or more of the following criteria: it is a conservative change, it occurs at a poorly conserved position in the protein, it is predicted to be benign by multiple in silico algorithms, and/or has population frequency not consistent with disease.

NM_000182.5(HADHA):c.800-15C>T

Gene: HADHA (hydroxyacyl-CoA dehydrogenase trifunctional multienzyme complex subunit alpha; minus strand). Cytogenetic location: 2p23.3.
Variant type: single nucleotide variant.
Coding change: c.800-15C>T on transcript NM_000182.5 (MANE Select); 15 bases into the intron before coding-DNA position 800, C replaced by T.
Molecular consequence: intron variant.
Genome position (GRCh38, 1-based): chr2:26,214,576, G>A on the plus strand (C>T on the coding strand, the complement: HADHA is on the minus strand). VCF-style: chr2-26214576-G-A. GRCh37 (hg19) VCF-style: chr2-26437445-G-A.
Identifiers: ClinVar variation 389724 (VCV000389724.4), dbSNP rs1057523518, ClinGen allele CA16604177.
Genomic context (GRCh38, chr2:26,214,576, plus strand): 5'-ACCTGTTGCCTGACAAATGGAATAGTCATGGCATACGCTGTCAATTCTGTAAAATAAAAT[G>A]CTTTTAGATATTTACTATAAAGAGCCTAGATTCCCTTGTTAGTTTATGCTCTAAACTCTA-3'